The following is an entry in ClinVar:

ClinVar aggregate classification (germline): Uncertain significance (1 of 4 stars; one submission).

gnomAD v4.1: 6 of 1,551,392 alleles (0.00039%); highest among the groups gnomAD compares: East Asian, 0.0023%; no homozygotes.

Submission:

GeneDx
Classification: Uncertain significance. Last evaluated: 2024-10-14. Review status: criteria provided, single submitter. Criteria: GeneDx Variant Classification Process June 2021. Collection method: clinical testing. Allele origin: germline. Affected: yes.
Comment: Not observed at significant frequency in large population cohorts (gnomAD); In silico analysis indicates that this missense variant does not alter protein structure/function; Has not been previously published as pathogenic or benign to our knowledge

NM_001370595.2(COA8):c.29C>T (p.Thr10Ile)

Gene: COA8 (cytochrome c oxidase assembly factor 8; plus strand). Cytogenetic location: 14q32.33.
Variant type: single nucleotide variant.
Coding change: c.29C>T on transcript NM_001370595.2 (MANE Select); coding-DNA position 29, C replaced by T.
Protein change: p.Thr10Ile; replaces threonine 10 with isoleucine.
Molecular consequence: missense variant. On other transcripts: non-coding transcript variant (2).
Genome position (GRCh38, 1-based): chr14:103,563,030, C>T. VCF-style: chr14-103563030-C-T. GRCh37 (hg19) VCF-style: chr14-104029367-C-T.
Other names: c.29C>T, p.Thr10Ile (NM_001302653.2, NM_001302654.2); short protein forms T10I.
Identifiers: ClinVar variation 3777669 (VCV003777669.1).
Genomic context (GRCh38, chr14:103,563,030, plus strand): 5'-CGTGCGCCGCGGGAGCCAGGGGGCGTGGGGCCATGGTGGTCTTGCGGGCGGGGAAGAAGA[C>T]CTTTCTCCCCCCTCTCTGCCGCGCCTTCGCCTGCCGCGGCTGTCAACTCGCTCCGGAGCG-3'
Protein context (NP_001357524.1, residues 1-20): MVVLRAGKK[Thr10Ile]FLPPLCRAFA